The following is an entry in ClinVar:

NM_000458.4(HNF1B):c.1045+2_1045+16del

Gene: HNF1B (HNF1 homeobox B; minus strand). Cytogenetic location: 17q12.
Variant type: Deletion.
Coding change: c.1045+2_1045+16del on transcript NM_000458.4 (MANE Select); the canonical splice donor site of the intron after coding-DNA position 1045 through 16 bases into the intron after coding-DNA position 1045, 15 bases deleted (TAAGCAAAGGTTGGG).
Molecular consequence: splice donor variant.
Genome position (GRCh38, 1-based): chr17:37,731,579-37,731,593, CCCAACCTTTGCTTA deleted on the plus strand (TAAGCAAAGGTTGGG on the coding strand, the reverse complement: HNF1B is on the minus strand); deleting any 15 consecutive bases within chr17:37,731,579-37,731,595 gives the same sequence; the c. name uses the placement nearest the transcript's 3' end. VCF-style (leftmost placement, unchanged base first): chr17-37731578-GCCCAACCTTTGCTTA-G. GRCh37 (hg19) VCF-style: chr17-36091569-GCCCAACCTTTGCTTA-G.
Other names: c.967+2_967+16del (NM_001304286.2, NM_001165923.4); c.1045+2_1045+16del (NM_001411100.1).
Identifiers: ClinVar variation 3235203 (VCV003235203.1), dbSNP rs2511799864.

ClinVar aggregate classification (germline): Likely pathogenic (1 of 4 stars; one submission).

Conditions:
Renal cysts and diabetes syndrome (RCAD). Also called: MATURITY-ONSET DIABETES OF THE YOUNG, TYPE 5; Familial hypoplastic, glomerulocystic kidney. Identifiers: Orphanet 93111, MedGen C0431693, MONDO:0007669, OMIM 137920.

Submission:

MVZ Medizinische Genetik Mainz
Classification: Likely pathogenic for Renal cysts and diabetes syndrome. Last evaluated: 2024-01-12. Review status: criteria provided, single submitter. Criteria: UK Practice Guidelines For Variant Classification V4 01 2020. Collection method: clinical testing. Allele origin: germline. Inheritance: Autosomal dominant inheritance. Affected: yes. Observed: 1 variant allele.
Comment: ACMG Criteria: PVS1,PM2_SUP